The following is an entry in ClinVar:

NM_004204.5(PIGQ):c.1505G>A (p.Arg502Gln)

Gene: PIGQ (phosphatidylinositol glycan anchor biosynthesis class Q; plus strand). Cytogenetic location: 16p13.3.
Variant type: single nucleotide variant.
Coding change: c.1505G>A on transcript NM_004204.5 (MANE Select); coding-DNA position 1505, G replaced by A.
Protein change: p.Arg502Gln; replaces arginine 502 with glutamine.
Molecular consequence: missense variant.
Genome position (GRCh38, 1-based): chr16:580,946, G>A. VCF-style: chr16-580946-G-A. GRCh37 (hg19) VCF-style: chr16-630946-G-A.
Other names: c.1505G>A, p.Arg502Gln (NM_148920.4); short protein forms R502Q.
Identifiers: ClinVar variation 456032 (VCV000456032.47), dbSNP rs145602990, ClinGen allele CA7780322.

ClinVar aggregate classification (germline): Likely benign. Review status: criteria provided, multiple submitters, no conflicts (2 of 4 stars). 6 submissions from 6 submitters: Likely benign (5). 1 of the submissions does not count toward it. Last evaluated 2026-05-01.

Conditions:
Epilepsy. Also called: Seizure disorder. Identifiers: MedGen C0014544, MeSH D004827, MONDO:0005027.
PIGQ-related disorder. Also called: PIGQ-related condition.
Developmental and epileptic encephalopathy, 77. Also called: EPILEPTIC ENCEPHALOPATHY, EARLY INFANTILE, 77; GLYCOSYLPHOSPHATIDYLINOSITOL BIOSYNTHESIS DEFECT 19; MULTIPLE CONGENITAL ANOMALIES-HYPOTONIA-SEIZURES SYNDROME 4. Identifiers: MedGen C5231405, MONDO:0032808, OMIM 618548.

Allele frequency attached by ClinVar (database versions not stated): 1000 Genomes Project 0.00040; 1000 Genomes Project 30x 0.00047; gnomAD 0.00074 and 0.00075; TOPMed 0.00088; ESP Exome Variant Server 0.00100.

Submissions (7):

CeGaT Center for Human Genetics Tuebingen
Classification: Likely benign. Last evaluated: 2026-05-01. Review status: criteria provided, single submitter. Criteria: CeGaT Center For Human Genetics Tuebingen Variant Classification Criteria Version 2. Collection method: clinical testing. Allele origin: germline. Affected: yes. Observed: 7 variant alleles.
Comment: PIGQ: BP4, BS2

Labcorp Genetics (formerly Invitae), Labcorp
Classification: Likely benign for Epilepsy. Last evaluated: 2026-02-01. Review status: criteria provided, single submitter. Criteria: Invitae Variant Classification Sherloc (09022015). Collection method: clinical testing. Allele origin: germline.

Blueprint Genetics
Classification: Likely benign. Last evaluated: 2024-11-25. Review status: criteria provided, single submitter. Criteria: ACMG Guidelines, 2015. Collection method: clinical testing. Allele origin: germline.

ARUP Laboratories, Molecular Genetics and Genomics, ARUP Laboratories
Classification: Likely benign for Developmental and epileptic encephalopathy, 77. Last evaluated: 2024-08-09. Review status: criteria provided, single submitter. Criteria: ARUP Molecular Germline Variant Investigation Process 2024. Collection method: clinical testing. Allele origin: germline.

Breakthrough Genomics
Classification: Likely benign. Review status: criteria provided, single submitter. Criteria: ACMG Guidelines, 2015. Collection method: not provided. Allele origin: germline. Inheritance: Autosomal recessive inheritance. Affected: yes.

PreventionGenetics, part of Exact Sciences
Classification: Likely benign for PIGQ-related condition. Last evaluated: 2022-05-23. Review status: no assertion criteria provided. Collection method: clinical testing. Allele origin: germline. Not counted in ClinVar's aggregate classification.
Comment: This variant is classified as likely benign based on ACMG/AMP sequence variant interpretation guidelines (Richards et al. 2015 PMID: 25741868, with internal and published modifications).

Dr. Peter K. Rogan Lab, Western University
No classification provided (evidence only). Condition: Familial cancer of breast. Review status: no classification provided. Collection method: in vitro. Allele origin: not applicable. Functional consequence: retained intron. Not counted in ClinVar's aggregate classification.